The following is an entry in ClinVar:

NM_005733.3(KIF20A):c.2337T>A (p.Asp779Glu)

Gene: KIF20A (kinesin family member 20A; plus strand). Cytogenetic location: 5q31.2.
Variant type: single nucleotide variant.
Coding change: c.2337T>A on transcript NM_005733.3 (MANE Select); coding-DNA position 2337, T replaced by A.
Protein change: p.Asp779Glu; replaces aspartic acid 779 with glutamic acid.
Molecular consequence: missense variant.
Genome position (GRCh38, 1-based): chr5:138,186,413, T>A. VCF-style: chr5-138186413-T-A. GRCh37 (hg19) VCF-style: chr5-137522102-T-A.
Other names: c.2337T>A (NM_005733.2); short protein forms D779E.
Identifiers: ClinVar variation 2189915 (VCV002189915.5), dbSNP rs754553864, ClinGen allele CA128188997.

ClinVar aggregate classification (germline): Uncertain significance. Review status: criteria provided, multiple submitters, no conflicts (2 of 4 stars). 2 submissions from 2 submitters: Uncertain significance (2). Last evaluated 2025-06-07.

Allele frequency attached by ClinVar (database versions not stated): gnomAD 0.00002; TOPMed 0.00003.
gnomAD v4.1: 10 of 1,613,054 alleles (0.00062%); highest among the groups gnomAD compares: African/African-American, 0.013%; no homozygotes.

Submissions (2):

Ambry Genetics
Classification: Uncertain significance. Last evaluated: 2025-06-07. Review status: criteria provided, single submitter. Criteria: Ambry Variant Classification Scheme 2023. Collection method: clinical testing. Allele origin: germline.

Labcorp Genetics (formerly Invitae), Labcorp
Classification: Uncertain significance. Last evaluated: 2022-07-14. Review status: criteria provided, single submitter. Criteria: Invitae Variant Classification Sherloc (09022015). Collection method: clinical testing. Allele origin: germline.
Comment: Algorithms developed to predict the effect of missense changes on protein structure and function (SIFT, PolyPhen-2, Align-GVGD) all suggest that this variant is likely to be tolerated. In summary, the available evidence is currently insufficient to determine the role of this variant in disease. Therefore, it has been classified as a Variant of Uncertain Significance. This variant has not been reported in the literature in individuals affected with KIF20A-related conditions. This variant is present in population databases (no rsID available, gnomAD 0.01%). This sequence change replaces aspartic acid, which is acidic and polar, with glutamic acid, which is acidic and polar, at codon 779 of the KIF20A protein (p.Asp779Glu).